The following is an entry in ClinVar:

ClinVar aggregate classification (germline): Uncertain significance (1 of 4 stars; one submission).

Allele frequency attached by ClinVar (database versions not stated): gnomAD exomes 0.00001 and 0.00002; TOPMed 0.00001; ExAC 0.00002; ESP Exome Variant Server 0.00008.
gnomAD v4.1: 11 of 1,613,940 alleles (0.00068%); highest among the groups gnomAD compares: East Asian, 0.0089%; no homozygotes.

Submission:

Labcorp Genetics (formerly Invitae), Labcorp
Classification: Uncertain significance. Last evaluated: 2022-07-18. Review status: criteria provided, single submitter. Criteria: Invitae Variant Classification Sherloc (09022015). Collection method: clinical testing. Allele origin: germline.
Comment: This sequence change replaces aspartic acid, which is acidic and polar, with asparagine, which is neutral and polar, at codon 645 of the SLC9A3 protein (p.Asp645Asn). This variant is present in population databases (rs377432139, gnomAD 0.02%). This variant has not been reported in the literature in individuals affected with SLC9A3-related conditions. ClinVar contains an entry for this variant (Variation ID: 1436727). Algorithms developed to predict the effect of missense changes on protein structure and function output the following: SIFT: "Not Available"; PolyPhen-2: "Benign"; Align-GVGD: "Not Available". The asparagine amino acid residue is found in multiple mammalian species, which suggests that this missense change does not adversely affect protein function. In summary, the available evidence is currently insufficient to determine the role of this variant in disease. Therefore, it has been classified as a Variant of Uncertain Significance.

NM_004174.4(SLC9A3):c.1933G>A (p.Asp645Asn)

Genes: SLC9A3 (solute carrier family 9 member A3), SLC9A3-AS1 (SLC9A3 antisense RNA 1; plus strand). Cytogenetic location: 5p15.33.
Variant type: single nucleotide variant.
Coding change: c.1933G>A on transcript NM_004174.4 (MANE Select); coding-DNA position 1933, G replaced by A.
Protein change: p.Asp645Asn; replaces aspartic acid 645 with asparagine.
Molecular consequence: missense variant. On other transcripts: non-coding transcript variant (1).
Genome position (GRCh38, 1-based): chr5:476,336, C>T on the plus strand (G>A on the coding strand, the complement: SLC9A3 is on the minus strand). VCF-style: chr5-476336-C-T. GRCh37 (hg19) VCF-style: chr5-476451-C-T.
Other names: c.1906G>A, p.Asp636Asn (NM_001284351.3); short protein forms D636N, D645N.
Identifiers: ClinVar variation 1436727 (VCV001436727.3), dbSNP rs377432139, ClinGen allele CA3175636.